The following is an entry in ClinVar:

NM_001567.4(INPPL1):c.545C>A (p.Ser182Ter)

Gene: INPPL1 (inositol polyphosphate phosphatase like 1; plus strand). Cytogenetic location: 11q13.4.
Variant type: single nucleotide variant.
Coding change: c.545C>A on transcript NM_001567.4 (MANE Select); coding-DNA position 545, C replaced by A.
Protein change: p.Ser182Ter; replaces serine 182 with a stop codon.
Molecular consequence: nonsense.
Genome position (GRCh38, 1-based): chr11:72,229,116, C>A. VCF-style: chr11-72229116-C-A. GRCh37 (hg19) VCF-style: chr11-71940160-C-A.
Other names: short protein forms S182*.
Identifiers: ClinVar variation 39474 (VCV000039474.2), dbSNP rs397514509, ClinGen allele CA130324.

ClinVar aggregate classification (germline): Likely pathogenic. Review status: criteria provided, single submitter (1 of 4 stars). 3 submissions from 3 submitters: Likely pathogenic (1). 2 of the submissions do not count toward it. Last evaluated 2024-10-04.

Conditions:
Opsismodysplasia (OPSMD). Also called: INPPL1-Related Opsismodysplasia. Identifiers: Orphanet 2746, MedGen C0432219, MONDO:0009785, OMIM 258480.

Submissions (3):

Dubai Health Genomic Medicine Center, Dubai Health
Classification: Likely pathogenic for Opsismodysplasia. Last evaluated: 2024-10-04. Review status: criteria provided, single submitter. Criteria: ACMG Guidelines, 2015. Collection method: research. Allele origin: germline. Affected: yes.
Comment: PVS1,PM2

OMIM
Classification: Pathogenic for OPSISMODYSPLASIA. Last evaluated: 2013-01-10. Review status: no assertion criteria provided. Collection method: literature only. Allele origin: germline. Not counted in ClinVar's aggregate classification.

University of Washington Center for Mendelian Genomics, University of Washington
Classification: Pathogenic for Opsismodysplasia. Last evaluated: 2013-01-08. Review status: no assertion criteria provided. Collection method: research. Allele origin: unknown. Affected: yes. Not counted in ClinVar's aggregate classification.

Literature cited by the submitters: PubMed 23273567 (cited by OMIM and University of Washington Center for Mendelian Genomics, University of Washington).